The following is an entry in ClinVar:

ClinVar aggregate classification (germline): Likely benign (1 of 4 stars; one submission).

Allele frequency attached by ClinVar (database versions not stated): gnomAD exomes below 0.00001 and 0.00001; TOPMed below 0.00001.
gnomAD v4.1: 4 of 1,611,304 alleles (0.00025%); highest among the groups gnomAD compares: Non-Finnish European, 0.00025%; no homozygotes.

Submission:

GeneDx
Classification: Likely benign. Last evaluated: 2017-04-10. Review status: criteria provided, single submitter. Criteria: GeneDx Variant Classification (06012015). Collection method: clinical testing. Allele origin: germline. Affected: yes.
Comment: This variant is considered likely benign or benign based on one or more of the following criteria: it is a conservative change, it occurs at a poorly conserved position in the protein, it is predicted to be benign by multiple in silico algorithms, and/or has population frequency not consistent with disease.

NM_001267550.2(TTN):c.68338C>G (p.Leu22780Val)

Genes: TTN (titin; minus strand), TTN-AS1 (TTN antisense RNA 1; plus strand). Cytogenetic location: 2q31.2.
Variant type: single nucleotide variant.
Coding change: c.68338C>G on transcript NM_001267550.2 (MANE Select); coding-DNA position 68338, C replaced by G.
Protein change: p.Leu22780Val; replaces leucine 22780 with valine.
Molecular consequence: missense variant.
Genome position (GRCh38, 1-based): chr2:178,578,177, G>C on the plus strand (C>G on the coding strand, the complement: TTN is on the minus strand). VCF-style: chr2-178578177-G-C. GRCh37 (hg19) VCF-style: chr2-179442904-G-C.
Other names: c.63415C>G, p.Leu21139Val (NM_001256850.1); c.41143C>G, p.Leu13715Val (NM_003319.4); c.60634C>G, p.Leu20212Val (NM_133378.4); c.41518C>G, p.Leu13840Val (NM_133432.3); c.41719C>G, p.Leu13907Val (NM_133437.4); short protein forms L21139V, L22780V, L20212V, L13715V, L13840V, L13907V.
Identifiers: ClinVar variation 508921 (VCV000508921.1), dbSNP rs878857012, ClinGen allele CA61005682.
Genomic context (GRCh38, chr2:178,578,177, plus strand): 5'-TCCTTATCGGAGTCTTGTTAGCTCTCTTCCACAAAAGGCTGTTTCTTTCCTTGAACTCGA[G>C]ATGATACCCTACAAAAGACCCAGGGATGTATCAAGTATAAATGCAGCTTGATTTTACAAT-3'
Protein context (NP_001254479.2, residues 22770-22790): TGGSPITGYH[Leu22780Val]EFKERNSLLW